The following is an entry in ClinVar:

NM_000051.4(ATM):c.1199T>G (p.Leu400Arg)

Gene: ATM (ATM serine/threonine kinase; plus strand). Cytogenetic location: 11q22.3.
Variant type: single nucleotide variant.
Coding change: c.1199T>G on transcript NM_000051.4 (MANE Select); coding-DNA position 1199, T replaced by G.
Protein change: p.Leu400Arg; replaces leucine 400 with arginine.
Molecular consequence: missense variant.
Genome position (GRCh38, 1-based): chr11:108,249,066, T>G. VCF-style: chr11-108249066-T-G. GRCh37 (hg19) VCF-style: chr11-108119793-T-G.
Other names: c.1199T>G, p.Leu400Arg (NM_001351834.2); short protein forms L400R.
Identifiers: ClinVar variation 2756481 (VCV002756481.3), dbSNP rs2135294686, ClinGen allele CA382532593.
Genomic context (GRCh38, chr11:108,249,066, plus strand): 5'-ACAGTGTCCCTTGCAAAAGGAAGAAAATAGAACTAGGCTGGGAAGTAATAAAAGATCACC[T>G]TCAGAAGTCACAGAATGATTTTGATCTTGTGCCTTGGTAAAGTGTTACCATTTTCTCATT-3'
Protein context (NP_000042.3, residues 390-410): ELGWEVIKDH[Leu400Arg]QKSQNDFDLV

ClinVar aggregate classification (germline): Uncertain significance (1 of 4 stars; one submission).

Conditions:
Ataxia-telangiectasia syndrome (AT). Also called: LOUIS-BAR SYNDROME; AT, COMPLEMENTATION GROUP C; ATAXIA-TELANGIECTASIA, COMPLEMENTATION GROUP A; ATAXIA-TELANGIECTASIA, FRESNO VARIANT; Ataxia-telangiectasia; Cerebello-oculocutaneous telangiectasia. Identifiers: Orphanet 100, MedGen C0004135, MONDO:0008840, OMIM 208900.

Submission:

Labcorp Genetics (formerly Invitae), Labcorp
Classification: Uncertain significance for Ataxia-telangiectasia syndrome. Last evaluated: 2023-06-02. Review status: criteria provided, single submitter. Criteria: Invitae Variant Classification Sherloc (09022015). Collection method: clinical testing. Allele origin: germline.
Comment: This variant has not been reported in the literature in individuals affected with ATM-related conditions. An algorithm developed to predict the effect of missense changes on protein structure and function (PolyPhen-2) suggests that this variant is likely to be disruptive. In summary, the available evidence is currently insufficient to determine the role of this variant in disease. Therefore, it has been classified as a Variant of Uncertain Significance. This sequence change replaces leucine, which is neutral and non-polar, with arginine, which is basic and polar, at codon 400 of the ATM protein (p.Leu400Arg). This variant is not present in population databases (gnomAD no frequency).